The following is an entry in ClinVar:

NM_001035.3(RYR2):c.9864G>C (p.Leu3288Phe)

Gene: RYR2 (ryanodine receptor 2; plus strand). Cytogenetic location: 1q43.
Variant type: single nucleotide variant.
Coding change: c.9864G>C on transcript NM_001035.3 (MANE Select); coding-DNA position 9864, G replaced by C.
Protein change: p.Leu3288Phe; replaces leucine 3288 with phenylalanine.
Molecular consequence: missense variant.
Genome position (GRCh38, 1-based): chr1:237,707,232, G>C. VCF-style: chr1-237707232-G-C. GRCh37 (hg19) VCF-style: chr1-237870532-G-C.
Other names: short protein forms L3288F.
Identifiers: ClinVar variation 4614846 (VCV004614846.1).

ClinVar aggregate classification (germline): Uncertain significance (1 of 4 stars; one submission).

Conditions:
Cardiovascular phenotype. Identifiers: MedGen CN230736.

Submission:

Ambry Genetics
Classification: Uncertain significance for Cardiovascular phenotype. Last evaluated: 2025-09-16. Review status: criteria provided, single submitter. Criteria: Ambry Variant Classification Scheme 2023. Collection method: clinical testing. Allele origin: germline.
Comment: The p.L3288F variant (also known as c.9864G>C), located in coding exon 68 of the RYR2 gene, results from a G to C substitution at nucleotide position 9864. The leucine at codon 3288 is replaced by phenylalanine, an amino acid with highly similar properties. This amino acid position is highly conserved in available vertebrate species. In addition, the in silico prediction for this alteration is inconclusive. Based on the available evidence, the clinical significance of this variant remains unclear.